The following is an entry in ClinVar:

NM_004006.3(DMD):c.2950-11_2950-10del

Gene: DMD (dystrophin; minus strand). Cytogenetic location: Xp21.1.
Variant type: Deletion.
Coding change: c.2950-11_2950-10del on transcript NM_004006.3 (MANE Select); 11 bases into the intron before coding-DNA position 2950 through 10 bases into the intron before coding-DNA position 2950, 2 bases deleted (TT; older notation c.2950-11_2950-10delTT).
Molecular consequence: intron variant.
Genome position (GRCh38, 1-based): chrX:32,468,720-32,468,721, AA deleted on the plus strand (TT on the coding strand, the reverse complement: DMD is on the minus strand). VCF-style (leftmost placement, unchanged base first): chrX-32468719-CAA-C. GRCh37 (hg19) VCF-style: chrX-32486836-CAA-C.
Other names: c.2926-11_2926-10del (NM_000109.4); c.2938-11_2938-10del (NM_004009.3); c.2581-11_2581-10del (NM_004010.3).
Identifiers: ClinVar variation 2025753 (VCV002025753.4), dbSNP rs2524617873, ClinGen allele CA2580100768.

ClinVar aggregate classification (germline): Uncertain significance (1 of 4 stars; one submission).

Conditions:
Duchenne muscular dystrophy (DMD). Also called: MUSCULAR DYSTROPHY, PSEUDOHYPERTROPHIC PROGRESSIVE, DUCHENNE TYPE; Duchenne Muscular Dystrophy (DMD). Identifiers: Orphanet 98896, MedGen C0013264, MONDO:0010679, OMIM 310200.

Submission:

Labcorp Genetics (formerly Invitae), Labcorp
Classification: Uncertain significance for Duchenne muscular dystrophy. Last evaluated: 2022-09-06. Review status: criteria provided, single submitter. Criteria: Invitae Variant Classification Sherloc (09022015). Collection method: clinical testing. Allele origin: germline.
Comment: In summary, the available evidence is currently insufficient to determine the role of this variant in disease. Therefore, it has been classified as a Variant of Uncertain Significance. Algorithms developed to predict the effect of sequence changes on RNA splicing suggest that this variant may disrupt the consensus splice site. This variant has not been reported in the literature in individuals affected with DMD-related conditions. This variant is not present in population databases (gnomAD no frequency). This sequence change falls in intron 22 of the DMD gene. It does not directly change the encoded amino acid sequence of the DMD protein.